The following is an entry in ClinVar:

ClinVar aggregate classification (germline): Uncertain significance. Review status: criteria provided, multiple submitters, no conflicts (2 of 4 stars). 3 submissions from 3 submitters: Uncertain significance (3). Last evaluated 2023-12-18.

Conditions:
Inborn genetic diseases. Identifiers: MedGen C0950123, MeSH D030342.
Cobblestone lissencephaly without muscular or ocular involvement. Also called: Lissencephaly 5; LEUKOENCEPHALOPATHY WITH VARIABLE CORTICAL BRAIN MALFORMATIONS AND/OR HYDROCEPHALUS. Identifiers: Orphanet 352682, MedGen C3554657, MONDO:0014077, OMIM 615191.

Allele frequency attached by ClinVar (database versions not stated): TOPMed 0.00001; gnomAD 0.00006; 1000 Genomes Project 30x 0.00031; 1000 Genomes Project 0.00040; ExAC 0.00008.
gnomAD v4.1: 45 of 1,614,050 alleles (0.0028%); highest among the groups gnomAD compares: South Asian, 0.02%; no homozygotes.

Submissions (3):

Labcorp Genetics (formerly Invitae), Labcorp
Classification: Uncertain significance. Last evaluated: 2023-12-18. Review status: criteria provided, single submitter. Criteria: Invitae Variant Classification Sherloc (09022015). Collection method: clinical testing. Allele origin: germline.
Comment: This sequence change replaces serine, which is neutral and polar, with threonine, which is neutral and polar, at codon 1272 of the LAMB1 protein (p.Ser1272Thr). This variant is present in population databases (rs377388989, gnomAD 0.03%). This variant has not been reported in the literature in individuals affected with LAMB1-related conditions. ClinVar contains an entry for this variant (Variation ID: 2175725). An algorithm developed to predict the effect of missense changes on protein structure and function (PolyPhen-2) suggests that this variant¬†is likely to be tolerated. In summary, the available evidence is currently insufficient to determine the role of this variant in disease. Therefore, it has been classified as a Variant of Uncertain Significance.

Ambry Genetics
Classification: Uncertain significance for Inborn genetic diseases. Last evaluated: 2023-12-11. Review status: criteria provided, single submitter. Criteria: Ambry Variant Classification Scheme 2023. Collection method: clinical testing. Allele origin: germline.

Revvity Omics, Revvity
Classification: Uncertain significance for Cobblestone lissencephaly without muscular or ocular involvement. Last evaluated: 2022-03-28. Review status: criteria provided, single submitter. Criteria: ACMG Guidelines, 2015. Collection method: clinical testing. Allele origin: germline.

NM_002291.3(LAMB1):c.3814T>A (p.Ser1272Thr)

Gene: LAMB1 (laminin subunit beta 1; minus strand). Cytogenetic location: 7q31.1.
Variant type: single nucleotide variant.
Coding change: c.3814T>A on transcript NM_002291.3 (MANE Select); coding-DNA position 3814, T replaced by A.
Protein change: p.Ser1272Thr; replaces serine 1272 with threonine.
Molecular consequence: missense variant.
Genome position (GRCh38, 1-based): chr7:107,937,225, A>T on the plus strand (T>A on the coding strand, the complement: LAMB1 is on the minus strand). VCF-style: chr7-107937225-A-T. GRCh37 (hg19) VCF-style: chr7-107577670-A-T.
Other names: c.3814T>A (NM_002291.2); short protein forms S1272T.
Identifiers: ClinVar variation 2175725 (VCV002175725.6), dbSNP rs377388989, ClinGen allele CA4435215.